The following is an entry in ClinVar:

NM_017999.5(RNF31):c.194C>T (p.Pro65Leu)

Gene: RNF31 (ring finger protein 31; plus strand). Cytogenetic location: 14q12.
Variant type: single nucleotide variant.
Coding change: c.194C>T on transcript NM_017999.5 (MANE Select); coding-DNA position 194, C replaced by T.
Protein change: p.Pro65Leu; replaces proline 65 with leucine.
Molecular consequence: missense variant. On other transcripts: 5 prime UTR variant (1).
Genome position (GRCh38, 1-based): chr14:24,147,977, C>T. VCF-style: chr14-24147977-C-T. GRCh37 (hg19) VCF-style: chr14-24617186-C-T.
Other names: c.-324C>T (NM_001310332.2); short protein forms P65L.
Identifiers: ClinVar variation 2996574 (VCV002996574.3), dbSNP rs780299994, ClinGen allele CA257872136.

ClinVar aggregate classification (germline): Uncertain significance (1 of 4 stars; one submission).

Allele frequency attached by ClinVar (database versions not stated): gnomAD exomes below 0.00001; TOPMed 0.00001.

Submission:

Labcorp Genetics (formerly Invitae), Labcorp
Classification: Uncertain significance. Last evaluated: 2024-10-21. Review status: criteria provided, single submitter. Criteria: Invitae Variant Classification Sherloc (09022015). Collection method: clinical testing. Allele origin: germline.
Comment: This sequence change replaces proline, which is neutral and non-polar, with leucine, which is neutral and non-polar, at codon 65 of the RNF31 protein (p.Pro65Leu). This variant is not present in population databases (gnomAD no frequency). This variant has not been reported in the literature in individuals affected with RNF31-related conditions. An algorithm developed to predict the effect of missense changes on protein structure and function (PolyPhen-2) suggests that this variant is likely to be tolerated. In summary, the available evidence is currently insufficient to determine the role of this variant in disease. Therefore, it has been classified as a Variant of Uncertain Significance.